The following is an entry in ClinVar:

ClinVar aggregate classification (germline): Uncertain significance. Review status: criteria provided, multiple submitters, no conflicts (2 of 4 stars). 4 submissions from 4 submitters: Uncertain significance (4). Last evaluated 2022-04-17.

Conditions:
Inborn genetic diseases. Identifiers: MedGen C0950123, MeSH D030342.
Imerslund-Grasbeck syndrome type 1 (IGS1). Also called: Megaloblastic anemia 1, Finnish type; MEGALOBLASTIC ANEMIA, 1; Imerslund-Gräsbeck syndrome 1. Identifiers: MedGen C4016819, MONDO:0100156, OMIM 261100.
Imerslund-Grasbeck syndrome. Also called: Megaloblastic anemia due to inborn errors of metabolism; Imerslund-Gräsbeck syndrome; ENTEROCYTE COBALAMIN MALABSORPTION; ENTEROCYTE INTRINSIC FACTOR RECEPTOR, DEFECT OF; PERNICIOUS ANEMIA, JUVENILE, DUE TO SELECTIVE INTESTINAL MALABSORPTION OF VITAMIN B12, WITH PROTEINURIA. Identifiers: Orphanet 35858, MedGen C4551825, MONDO:0009853.
Proteinuria, chronic benign. Identifiers: MedGen C5394384, MONDO:0030042, OMIM 618884.

Allele frequency attached by ClinVar (database versions not stated): ExAC 0.00009; gnomAD exomes 0.00009; TOPMed 0.00009; gnomAD 0.00006.
gnomAD v4.1: 197 of 1,613,990 alleles (0.012%); highest among the groups gnomAD compares: Non-Finnish European, 0.016%; no homozygotes.

Submissions (4):

Fulgent Genetics
Classification: Uncertain significance for Imerslund-Grasbeck syndrome type 1; Proteinuria, chronic benign. Last evaluated: 2022-04-17. Review status: criteria provided, single submitter. Criteria: ACMG Guidelines, 2015. Collection method: clinical testing. Allele origin: unknown.

Labcorp Genetics (formerly Invitae), Labcorp
Classification: Uncertain significance for Imerslund-Grasbeck syndrome. Last evaluated: 2021-12-08. Review status: criteria provided, single submitter. Criteria: Invitae Variant Classification Sherloc (09022015). Collection method: clinical testing. Allele origin: germline.
Comment: This sequence change replaces aspartic acid, which is acidic and polar, with asparagine, which is neutral and polar, at codon 3100 of the CUBN protein (p.Asp3100Asn). This variant is present in population databases (rs202189846, gnomAD 0.02%). This variant has not been reported in the literature in individuals affected with CUBN-related conditions. ClinVar contains an entry for this variant (Variation ID: 299382). Algorithms developed to predict the effect of missense changes on protein structure and function are either unavailable or do not agree on the potential impact of this missense change (SIFT: "Tolerated"; PolyPhen-2: "Probably Damaging"; Align-GVGD: "Class C0"). In summary, the available evidence is currently insufficient to determine the role of this variant in disease. Therefore, it has been classified as a Variant of Uncertain Significance.

Ambry Genetics
Classification: Uncertain significance for Inborn genetic diseases. Last evaluated: 2021-06-11. Review status: criteria provided, single submitter. Criteria: Ambry Variant Classification Scheme 2023. Collection method: clinical testing. Allele origin: germline.

Illumina Laboratory Services, Illumina
Classification: Uncertain significance for Imerslund-Grasbeck syndrome type 1. Last evaluated: 2018-01-13. Review status: criteria provided, single submitter. Criteria: ICSL Variant Classification Criteria 13 December 2019. Collection method: clinical testing. Allele origin: germline.

NM_001081.4(CUBN):c.9298G>A (p.Asp3100Asn)

Gene: CUBN (cubilin; minus strand). Cytogenetic location: 10p13.
Variant type: single nucleotide variant.
Coding change: c.9298G>A on transcript NM_001081.4 (MANE Select); coding-DNA position 9298, G replaced by A.
Protein change: p.Asp3100Asn; replaces aspartic acid 3100 with asparagine.
Molecular consequence: missense variant.
Genome position (GRCh38, 1-based): chr10:16,869,792, C>T on the plus strand (G>A on the coding strand, the complement: CUBN is on the minus strand). VCF-style: chr10-16869792-C-T. GRCh37 (hg19) VCF-style: chr10-16911791-C-T.
Other names: short protein forms D3100N.
Identifiers: ClinVar variation 299382 (VCV000299382.9), dbSNP rs202189846, ClinGen allele CA5422740.